The following is an entry in ClinVar:

ClinVar aggregate classification (germline): Conflicting classifications of pathogenicity. Review status: criteria provided, conflicting classifications (1 of 4 stars). 5 submissions from 5 submitters: Uncertain significance (1); Benign (1); Likely benign (3). Last evaluated 2026-02-01.

Conditions:
GUCY2C-related disorder. Also called: GUCY2C-related condition.
Meconium ileus. Identifiers: Orphanet 314376, MedGen C2939175, MONDO:0054868, HP:0004401.

Allele frequency attached by ClinVar (database versions not stated): ESP Exome Variant Server 0.00069; gnomAD 0.00085 and 0.00086; gnomAD exomes 0.00105; 1000 Genomes Project 30x 0.00109; TOPMed 0.00113; ExAC 0.00114; 1000 Genomes Project 0.00140.
gnomAD v4.1: 1,049 of 1,573,482 alleles (0.067%); highest among the groups gnomAD compares: Admixed American, 0.21%; 1 homozygote.

Submissions (5):

Labcorp Genetics (formerly Invitae), Labcorp
Classification: Likely benign. Last evaluated: 2026-02-01. Review status: criteria provided, single submitter. Criteria: Invitae Variant Classification Sherloc (09022015). Collection method: clinical testing. Allele origin: germline.

Blueprint Genetics
Classification: Likely benign. Last evaluated: 2024-11-23. Review status: criteria provided, single submitter. Criteria: ACMG Guidelines, 2015. Collection method: clinical testing. Allele origin: germline.

PreventionGenetics, part of Exact Sciences
Classification: Likely benign for GUCY2C-related condition. Last evaluated: 2024-11-06. Review status: criteria provided, single submitter. Criteria: ACMG Guidelines, 2015. Collection method: clinical testing. Allele origin: germline.
Comment: This variant is classified as likely benign based on ACMG/AMP sequence variant interpretation guidelines (Richards et al. 2015 PMID: 25741868, with internal and published modifications).

Revvity Omics, Revvity
Classification: Uncertain significance. Last evaluated: 2021-12-06. Review status: criteria provided, single submitter. Criteria: ACMG Guidelines, 2015. Collection method: clinical testing. Allele origin: germline.

Mendelics
Classification: Benign for Intestinal obstruction in the newborn due to guanylate cyclase 2C deficiency. Last evaluated: 2019-05-28. Review status: criteria provided, single submitter. Criteria: Mendelics Assertion Criteria 2017. Collection method: clinical testing. Allele origin: unknown.

NM_004963.4(GUCY2C):c.893C>T (p.Thr298Met)

Genes: GUCY2C (guanylate cyclase 2C; minus strand), GUCY2C-AS1 (GUCY2C antisense RNA 1; plus strand). Cytogenetic location: 12p12.3.
Variant type: single nucleotide variant.
Coding change: c.893C>T on transcript NM_004963.4 (MANE Select); coding-DNA position 893, C replaced by T.
Protein change: p.Thr298Met; replaces threonine 298 with methionine.
Molecular consequence: missense variant.
Genome position (GRCh38, 1-based): chr12:14,676,909, G>A on the plus strand (C>T on the coding strand, the complement: GUCY2C is on the minus strand). VCF-style: chr12-14676909-G-A. GRCh37 (hg19) VCF-style: chr12-14829843-G-A.
Other names: short protein forms T298M.
Identifiers: ClinVar variation 714778 (VCV000714778.16), dbSNP rs148946391, ClinGen allele CA6463622.
Genomic context (GRCh38, chr12:14,676,909, plus strand): 5'-CTTACTGGTGATAGATTCCTGGAGAAAGAGCTATTTAGAAGGGAATTCCCAGGAGACAGC[G>A]TCAGAACAAGGACATTTTTCATATAGTCAGGGGCTGTGACATTGTCCTCAAAGTACTGGT-3'
Protein context (NP_004954.2, residues 288-308): PDYMKNVLVL[Thr298Met]LSPGNSLLNS